The following is an entry in ClinVar:

NM_182916.3(TRNT1):c.172G>A (p.Glu58Lys)

Gene: TRNT1 (tRNA nucleotidyl transferase 1; plus strand). Cytogenetic location: 3p26.2.
Variant type: single nucleotide variant.
Coding change: c.172G>A on transcript NM_182916.3 (MANE Select); coding-DNA position 172, G replaced by A.
Protein change: p.Glu58Lys; replaces glutamic acid 58 with lysine.
Molecular consequence: missense variant. On other transcripts: non-coding transcript variant (8).
Genome position (GRCh38, 1-based): chr3:3,137,283, G>A. VCF-style: chr3-3137283-G-A. GRCh37 (hg19) VCF-style: chr3-3178967-G-A.
Other names: c.172G>A, p.Glu58Lys (NM_001302946.2, NM_001367321.1, NM_001367322.1 and 1 more transcripts); short protein forms E58K.
Identifiers: ClinVar variation 1063722 (VCV001063722.2), dbSNP rs768028459, ClinGen allele CA2228575.

ClinVar aggregate classification (germline): Uncertain significance (1 of 4 stars; one submission).

Conditions:
Congenital sideroblastic anemia-B-cell immunodeficiency-periodic fever-developmental delay syndrome. Also called: Sideroblastic anemia with B-cell immunodeficiency, periodic fevers, and developmental delay. Identifiers: Orphanet 369861, MedGen C4015172, MONDO:0014487, OMIM 616084.

Allele frequency attached by ClinVar (database versions not stated): gnomAD exomes below 0.00001; ExAC 0.00001; gnomAD 0.00001 and 0.00002; TOPMed 0.00002.
gnomAD v4.1: 8 of 1,591,846 alleles (0.0005%); highest among the groups gnomAD compares: Admixed American, 0.0018%; no homozygotes.

Submission:

Labcorp Genetics (formerly Invitae), Labcorp
Classification: Uncertain significance for Congenital sideroblastic anemia-B-cell immunodeficiency-periodic fever-developmental delay syndrome. Last evaluated: 2021-09-01. Review status: criteria provided, single submitter. Criteria: Invitae Variant Classification Sherloc (09022015). Collection method: clinical testing. Allele origin: germline.
Comment: This sequence change replaces glutamic acid with lysine at codon 58 of the TRNT1 protein (p.Glu58Lys). The glutamic acid residue is highly conserved and there is a small physicochemical difference between glutamic acid and lysine. This variant is present in population databases (rs768028459, ExAC 0.006%). This variant has not been reported in the literature in individuals affected with TRNT1-related conditions. Algorithms developed to predict the effect of missense changes on protein structure and function (SIFT, PolyPhen-2, Align-GVGD) all suggest that this variant is likely to be tolerated. In summary, the available evidence is currently insufficient to determine the role of this variant in disease. Therefore, it has been classified as a Variant of Uncertain Significance.